The following is an entry in ClinVar:

NM_024312.5(GNPTAB):c.2757_2758del (p.Asp919fs)

Gene: GNPTAB (N-acetylglucosamine-1-phosphate transferase subunits alpha and beta; minus strand). Cytogenetic location: 12q23.2.
Variant type: Deletion.
Coding change: c.2757_2758del on transcript NM_024312.5 (MANE Select); coding-DNA positions 2757 to 2758, 2 bases deleted (TA; older notation c.2757_2758delTA).
Protein change: p.Asp919fs; shifts the reading frame from aspartic acid 919.
Molecular consequence: frameshift variant.
Genome position (GRCh38, 1-based): chr12:101,761,721-101,761,722, TA deleted on the plus strand (TA on the coding strand, the reverse complement: GNPTAB is on the minus strand); deleting any 2 consecutive bases within chr12:101,761,721-101,761,723 gives the same sequence; the c. name uses the placement nearest the transcript's 3' end. VCF-style (leftmost placement, unchanged base first): chr12-101761720-CTA-C. GRCh37 (hg19) VCF-style: chr12-102155498-CTA-C.
Other names: c.2757_2758delTA (NM_024312.4); short protein forms D919fs.
Identifiers: ClinVar variation 963384 (VCV000963384.9), dbSNP rs757574720, ClinGen allele CA6746349.

ClinVar aggregate classification (germline): Pathogenic/Likely pathogenic. Review status: criteria provided, multiple submitters, no conflicts (2 of 4 stars). 3 submissions from 3 submitters: Pathogenic (2); Likely pathogenic (1). Last evaluated 2025-06-20.

Conditions:
Mucolipidosis type II. Also called: Mucolipidosis 2; ML 2; Inclusion cell disease; Leroy Disease; N-acetylglucosamine 1phosphotransferase deficiency; ML disorder type 2. Identifiers: Orphanet 576, MedGen C2673377, MONDO:0009650, OMIM 252500.
Pseudo-Hurler polydystrophy. Also called: ML IIIA; Mucolipidosis III Alpha/Beta; MUCOLIPIDOSIS IIIA; ML III; ML III ALPHA/BETA; Type III Mucolipidosis. Identifiers: Orphanet 423461, Orphanet 577, MedGen C0033788, MONDO:0018931, OMIM 252600.

Submissions (3):

Natera, Inc.
Classification: Pathogenic for Mucolipidosis type II. Last evaluated: 2025-06-20. Review status: criteria provided, single submitter. Criteria: Natera Variant Classification Schema (03/2026). Collection method: clinical testing. Allele origin: germline.
Comment: The c.2757_2758delTA variant in GNPTAB is a frameshift variant predicted to shift the reading frame beginning at codon 919 and leads to a stop codon 21 codons downstream. This variant is expected to result in nonsense mediated decay, truncation, or a dysfunctional protein product. This variant is rare in the general population with a frequency below the threshold expected for the associated phenotype(s). This variant has been observed in one or more individuals affected with the associated recessive disease, as either homozygous or compound heterozygous with a second variant (PMID: 34341521). Given the available evidence, this variant is classified as Pathogenic.

Labcorp Genetics (formerly Invitae), Labcorp
Classification: Pathogenic for Pseudo-Hurler polydystrophy; Mucolipidosis type II. Last evaluated: 2024-08-05. Review status: criteria provided, single submitter. Criteria: Invitae Variant Classification Sherloc (09022015). Collection method: clinical testing. Allele origin: germline.
Comment: This sequence change creates a premature translational stop signal (p.Asp919Glufs*21) in the GNPTAB gene. It is expected to result in an absent or disrupted protein product. Loss-of-function variants in GNPTAB are known to be pathogenic (PMID: 19617216, 25107912). This variant is not present in population databases (gnomAD no frequency). This variant has not been reported in the literature in individuals affected with GNPTAB-related conditions. ClinVar contains an entry for this variant (Variation ID: 963384). For these reasons, this variant has been classified as Pathogenic.

Fulgent Genetics
Classification: Likely pathogenic for Mucolipidosis type II; Pseudo-Hurler polydystrophy. Last evaluated: 2024-03-04. Review status: criteria provided, single submitter. Criteria: ACMG Guidelines, 2015. Collection method: clinical testing. Allele origin: germline.

Literature cited by the submitters: PubMed 34341521 (cited by Natera, Inc.); PubMed 19617216 (cited by Labcorp Genetics (formerly Invitae), Labcorp); PubMed 25107912 (cited by Labcorp Genetics (formerly Invitae), Labcorp).